The following is an entry in ClinVar:

ClinVar aggregate classification (germline): Conflicting classifications of pathogenicity. Review status: criteria provided, conflicting classifications (1 of 4 stars). 2 submissions from 2 submitters: Uncertain significance (1); Likely benign (1). Last evaluated 2023-03-01.

Conditions:
Intellectual developmental disorder, X-linked 93. Also called: MENTAL RETARDATION, X-LINKED, WITH MACROCEPHALY; Intellectual disability, X-linked 93. Identifiers: MedGen C1970841, MONDO:0010393, OMIM 300659.

Allele frequency attached by ClinVar (database versions not stated): gnomAD 0.00124 and 0.00132; TOPMed 0.00127; 1000 Genomes Project 30x 0.00021.
gnomAD v4.1: 140 of 110,281 alleles (0.13%); highest among the groups gnomAD compares: Middle Eastern, 0.93%; 1 homozygote.

Submissions (2):

CeGaT Center for Human Genetics Tuebingen
Classification: Likely benign. Last evaluated: 2023-03-01. Review status: criteria provided, single submitter. Criteria: CeGaT Center For Human Genetics Tuebingen Variant Classification Criteria Version 2. Collection method: clinical testing. Allele origin: germline. Affected: yes. Observed: 3 variant alleles.
Comment: BRWD3: BS2

Illumina Laboratory Services, Illumina
Classification: Uncertain significance for Intellectual developmental disorder, X-linked 93. Last evaluated: 2018-01-13. Review status: criteria provided, single submitter. Criteria: ICSL Variant Classification Criteria 13 December 2019. Collection method: clinical testing. Allele origin: germline.

NM_153252.5(BRWD3):c.*6439G>A

Gene: BRWD3 (bromodomain and WD repeat domain containing 3; minus strand). Cytogenetic location: Xq21.1.
Variant type: single nucleotide variant.
Coding change: c.*6439G>A on transcript NM_153252.5 (MANE Select); 6439 bases downstream of the stop codon, G replaced by A.
Molecular consequence: 3 prime UTR variant.
Genome position (GRCh38, 1-based): chrX:80,670,170, C>T on the plus strand (G>A on the coding strand, the complement: BRWD3 is on the minus strand). VCF-style: chrX-80670170-C-T. GRCh37 (hg19) VCF-style: chrX-79925669-C-T.
Identifiers: ClinVar variation 368682 (VCV000368682.33), dbSNP rs375704347, ClinGen allele CA10646392.
Genomic context (GRCh38, chrX:80,670,170, plus strand): 5'-AAAGTTACATAGAAAGGAAAGGAAAATGTTTCCCTAGAACTTTGGGGGAAAAATCGATAC[C>T]GTAAAAAGTTTACTTCATTTAATATTATTGTTTGATCTACCTGTGTTTTGTAGCATTAAA-3'